The following is an entry in ClinVar:

NM_001184.4(ATR):c.7658T>A (p.Val2553Asp)

Gene: ATR (ATR checkpoint kinase; minus strand). Cytogenetic location: 3q23.
Variant type: single nucleotide variant.
Coding change: c.7658T>A on transcript NM_001184.4 (MANE Select); coding-DNA position 7658, T replaced by A.
Protein change: p.Val2553Asp; replaces valine 2553 with aspartic acid.
Molecular consequence: missense variant.
Genome position (GRCh38, 1-based): chr3:142,453,231, A>T on the plus strand (T>A on the coding strand, the complement: ATR is on the minus strand). VCF-style: chr3-142453231-A-T. GRCh37 (hg19) VCF-style: chr3-142172073-A-T.
Other names: c.7466T>A, p.Val2489Asp (NM_001354579.2); short protein forms V2489D, V2553D.
Identifiers: ClinVar variation 962990 (VCV000962990.14), dbSNP rs1043401586, ClinGen allele CA84721718.

ClinVar aggregate classification (germline): Uncertain significance. Review status: criteria provided, multiple submitters, no conflicts (2 of 4 stars). 5 submissions from 4 submitters: Uncertain significance (5). Last evaluated 2025-04-22.

Conditions:
Familial cutaneous telangiectasia and oropharyngeal predisposition cancer syndrome. Identifiers: Orphanet 313846, MedGen C3281203, MONDO:0013806, OMIM 614564.
Inborn genetic diseases. Identifiers: MedGen C0950123, MeSH D030342.
Seckel syndrome 1 (SCKL1). Also called: MICROCEPHALIC PRIMORDIAL DWARFISM I. Identifiers: Orphanet 808, MedGen C4551474, MONDO:0008869, OMIM 210600.

Allele frequency attached by ClinVar (database versions not stated): gnomAD exomes below 0.00001; TOPMed below 0.00001; gnomAD 0.00001.
gnomAD v4.1: 2 of 1,612,438 alleles (0.00012%); highest among the groups gnomAD compares: Non-Finnish European, 0.00017%; no homozygotes.

Submissions (5):

Labcorp Genetics (formerly Invitae), Labcorp
Classification: Uncertain significance. Last evaluated: 2025-04-22. Review status: criteria provided, single submitter. Criteria: Invitae Variant Classification Sherloc (09022015). Collection method: clinical testing. Allele origin: germline.
Comment: This sequence change replaces valine, which is neutral and non-polar, with aspartic acid, which is acidic and polar, at codon 2553 of the ATR protein (p.Val2553Asp). This variant is present in population databases (no rsID available, gnomAD 0.0009%). This variant has not been reported in the literature in individuals affected with ATR-related conditions. ClinVar contains an entry for this variant (Variation ID: 962990). An algorithm developed to predict the effect of missense changes on protein structure and function (PolyPhen-2) suggests that this variant is likely to be disruptive. In summary, the available evidence is currently insufficient to determine the role of this variant in disease. Therefore, it has been classified as a Variant of Uncertain Significance.

Ambry Genetics
Classification: Uncertain significance for Inborn genetic diseases. Last evaluated: 2024-09-24. Review status: criteria provided, single submitter. Criteria: Ambry Variant Classification Scheme 2023. Collection method: clinical testing. Allele origin: germline.
Comment: The p.V2553D variant (also known as c.7658T>A), located in coding exon 46 of the ATR gene, results from a T to A substitution at nucleotide position 7658. The valine at codon 2553 is replaced by aspartic acid, an amino acid with highly dissimilar properties. This amino acid position is conserved. In addition, this alteration is predicted to be deleterious by in silico analysis. Since supporting evidence is limited at this time, the clinical significance of this alteration remains unclear.

Revvity Omics, Revvity
Classification: Uncertain significance. Last evaluated: 2024-09-18. Review status: criteria provided, single submitter. Criteria: ACMG Guidelines, 2015. Collection method: clinical testing. Allele origin: germline.

Genome-Nilou Lab
Classification: Uncertain significance for Seckel syndrome 1. Last evaluated: 2023-02-08. Review status: criteria provided, single submitter. Criteria: ACMG Guidelines, 2015. Collection method: clinical testing. Allele origin: germline.

Genome-Nilou Lab
Classification: Uncertain significance for Familial cutaneous telangiectasia and oropharyngeal predisposition cancer syndrome. Last evaluated: 2023-02-08. Review status: criteria provided, single submitter. Criteria: ACMG Guidelines, 2015. Collection method: clinical testing. Allele origin: germline.